The following is an entry in ClinVar:

NM_138413.4(HOGA1):c.107C>T (p.Ala36Val)

Gene: HOGA1 (4-hydroxy-2-oxoglutarate aldolase 1; plus strand). Cytogenetic location: 10q24.2.
Variant type: single nucleotide variant.
Coding change: c.107C>T on transcript NM_138413.4 (MANE Select); coding-DNA position 107, C replaced by T.
Protein change: p.Ala36Val; replaces alanine 36 with valine.
Molecular consequence: missense variant.
Genome position (GRCh38, 1-based): chr10:97,584,810, C>T. VCF-style: chr10-97584810-C-T. GRCh37 (hg19) VCF-style: chr10-99344567-C-T.
Other names: c.107C>T, p.Ala36Val (NM_001134670.2); short protein forms A36V.
Identifiers: ClinVar variation 204265 (VCV000204265.27), dbSNP rs201803986, ClinGen allele CA203936.

ClinVar aggregate classification (germline): Conflicting classifications of pathogenicity. Review status: criteria provided, conflicting classifications (1 of 4 stars). 9 submissions from 9 submitters: Pathogenic (2); Likely pathogenic (6); Uncertain significance (1). Last evaluated 2026-05-04.

Conditions:
HOGA1-related disorder. Also called: HOGA1-related condition.
Primary hyperoxaluria type 3. Also called: PH III. Identifiers: Orphanet 416, Orphanet 93600, MedGen C3150878, MONDO:0013327, OMIM 613616. Disease mechanism: loss of function.

Allele frequency attached by ClinVar (database versions not stated): gnomAD 0.00016 and 0.00015; TOPMed 0.00010.
gnomAD v4.1: 173 of 1,613,638 alleles (0.011%); highest among the groups gnomAD compares: African/African-American, 0.016%; no homozygotes.

Submissions (10):

PreventionGenetics, part of Exact Sciences
Classification: Likely pathogenic for HOGA1-related condition. Last evaluated: 2026-05-04. Review status: criteria provided, single submitter. Criteria: ACMG Guidelines, 2015. Collection method: clinical testing. Allele origin: germline.
Comment: The HOGA1 c.107C>T variant is predicted to result in the amino acid substitution p.Ala36Val. This variant has been reported in multiple individuals with autosomal recessive primary hyperoxaluria type 3 (Williams et al. 2012. PubMed ID: 22391140; Pitt et al. 2015. PubMed ID: 24563386; Bar et al. 2021. PubMed ID: 33350326). This variant is reported in 0.28% of alleles in individuals of Ashkenazi Jewish descent in gnomAD. Taken together, we classify this variant as likely pathogenic.

Labcorp Genetics (formerly Invitae), Labcorp
Classification: Pathogenic. Last evaluated: 2026-01-20. Review status: criteria provided, single submitter. Criteria: Invitae Variant Classification Sherloc (09022015). Collection method: clinical testing. Allele origin: germline.
Comment: This sequence change replaces alanine, which is neutral and non-polar, with valine, which is neutral and non-polar, at codon 36 of the HOGA1 protein (p.Ala36Val). This variant is present in population databases (rs201803986, gnomAD 0.3%). This missense change has been observed in individual(s) with HOGA1-related conditions (PMID: 22391140, 24563386; internal data). In at least one individual the data is consistent with being in trans (on the opposite chromosome) from a pathogenic variant. ClinVar contains an entry for this variant (Variation ID: 204265). Invitae Evidence Modeling of protein sequence and biophysical properties (such as structural, functional, and spatial information, amino acid conservation, physicochemical variation, residue mobility, and thermodynamic stability) has been performed for this missense variant. However, the output from this modeling did not meet the statistical confidence thresholds required to predict the impact of this variant on HOGA1 protein function. For these reasons, this variant has been classified as Pathogenic.

GeneDx
Classification: Uncertain significance. Last evaluated: 2025-06-04. Review status: criteria provided, single submitter. Criteria: GeneDx Variant Classification Process June 2021. Collection method: clinical testing. Allele origin: germline. Affected: yes.
Comment: In silico analysis suggests that this missense variant does not alter protein structure/function; This variant is associated with the following publications: (PMID: 34426522, 31589614, 34961661, 25629080, 33865885, 24563386, 33350326, 22391140)

Myriad Genetics, Inc.
Classification: Likely pathogenic for Primary hyperoxaluria type 3. Last evaluated: 2025-05-20. Review status: criteria provided, single submitter. Criteria: Myriad Autosomal Dominant, Autosomal Recessive and X-Linked Classification Criteria (2023). Collection method: clinical testing. Allele origin: unknown.
Comment: NM_138413.3(HOGA1):c.107C>T(A36V) is a missense variant classified as likely pathogenic in the context of primary hyperoxaluria type 3. A36V has been observed in cases with relevant disease (PMID: 22391140, 24563386, 33350326). Relevant functional assessments of this variant are not available in the literature. A36V has been observed in referenced population frequency databases. In summary, NM_138413.3(HOGA1):c.107C>T(A36V) is a missense variant that has been observed more frequently in cases with the relevant disease than in healthy populations. Please note: this variant was assessed in the context of healthy population screening.

Fulgent Genetics
Classification: Likely pathogenic for Primary hyperoxaluria type 3. Last evaluated: 2024-01-29. Review status: criteria provided, single submitter. Criteria: ACMG Guidelines, 2015. Collection method: clinical testing. Allele origin: germline.

Clinical Biochemistry Laboratory, Health Services Laboratory
Classification: Pathogenic for Primary hyperoxaluria type 3. Last evaluated: 2023-10-27. Review status: criteria provided, single submitter. Criteria: ACMG Guidelines, 2015. Collection method: clinical testing. Allele origin: germline. Affected: yes.
Comment: Biochemical confirmation. ACMG: PS3 PM2 PM3 PP4

Women's Health and Genetics/Laboratory Corporation of America, LabCorp
Classification: Likely pathogenic for Primary hyperoxaluria type 3. Last evaluated: 2023-05-30. Review status: criteria provided, single submitter. Criteria: LabCorp Variant Classification Summary - May 2015. Collection method: clinical testing. Allele origin: germline.
Comment: Variant summary: HOGA1 c.107C>T (p.Ala36Val) results in a non-conservative amino acid change in the encoded protein sequence. Four of five in-silico tools predict a benign effect of the variant on protein function. The variant allele was found at a frequency of 0.00017 in 249960 control chromosomes (gnomAD). This frequency is not significantly higher than estimated for a pathogenic variant in HOGA1 causing Primary Hyperoxaluria, Type III (0.00017 vs 0.0015), allowing no conclusion about variant significance. c.107C>T has been reported in the literature in multiple compound heterozygous individuals affected with Primary Hyperoxaluria, Type III (examples: Williams_2012, Williams_2015, Pitt_2015, Bar_2021). These data indicate that the variant is likely to be associated with disease. One publication reported that the excretion of 4-Hydroxyglutamate (the metabolic precursor of the HOGA1 substrate) was elevated in Primary Hyperoxaluria, Type III patients; this cohort included at least one of the reported affected individuals who was carrying the variant of interest, though no patient specific data were provided (Pitt_2015). The following publications have been ascertained in the context of this evaluation (PMID: 33350326, 31589614, 24563386, 25629080, 22391140). Three clinical diagnostic laboratories have submitted clinical-significance assessments for this variant to ClinVar after 2014 and classified the variant as VUS (n=1) or likely pathogenic/pathogenic (n=2). Based on the evidence outlined above, the variant was classified as likely pathogenic.

Department of Pathology and Laboratory Medicine, Sinai Health System
Classification: Likely pathogenic for Primary hyperoxaluria type 3. Last evaluated: 2022-10-31. Review status: criteria provided, single submitter. Criteria: ACMG Guidelines, 2015. Collection method: research. Allele origin: germline.

Illumina Laboratory Services, Illumina
Classification: Likely pathogenic for Primary hyperoxaluria type 3. Last evaluated: 2017-04-27. Review status: criteria provided, single submitter. Criteria: ICSL Variant Classification Criteria 09 May 2019. Collection method: clinical testing. Allele origin: germline.
Comment: The HOGA1 c.107C>T (p.Ala36Val) missense variant has been reported in three studies in which it is found in at least three patients with primary hyperoxaluria type III (PH3) in a compound heterozygous state and in a heterozygous state in one additional patient who also carried a heterozygous deletion in the AGXT gene, which is associated with PH1 (Williams et al. 2012; Pitt et al. 2014; Williams et al. 2015). Control data are unavailable for this variant, which is reported at a frequency of 0.00024 in the European (non-Finnish) population of the Exome Aggregation Consortium. Analysis of levels of the metabolic precursor of the HOGA1 substrate revealed that PH3 patients had significantly higher levels compared to age-matched controls, and that parental carriers showed moderate but significant increases in levels (Pitt et al. 2014). Based on the evidence, the p.Ala36Val variant is classified as likely pathogenic for primary hyperoxaluria. This variant was observed by ICSL as part of a predisposition screen in an ostensibly healthy population.

Dr. Peter K. Rogan Lab, Western University
No classification provided (evidence only). Condition: Ovarian serous cystadenocarcinoma. Review status: no classification provided. Collection method: in vitro. Allele origin: not applicable. Functional consequence: retained intron. Not counted in ClinVar's aggregate classification.

Literature cited by the submitters: PubMed 22391140 (cited by 5 submitters); PubMed 24563386 (cited by 5 submitters); PubMed 33350326 (cited by Myriad Genetics, Inc. and Women's Health and Genetics/Laboratory Corporation of America, LabCorp); PubMed 25629080 (cited by 3 submitters); PubMed 31589614 (cited by Women's Health and Genetics/Laboratory Corporation of America, LabCorp).